The following is an entry in ClinVar:

ClinVar aggregate classification (germline): Uncertain significance (1 of 4 stars; one submission).

Conditions:
MEGF8-related Carpenter syndrome. Also called: Carpenter syndrome 2. Identifiers: Orphanet 65759, MedGen C3554247, MONDO:0013998, OMIM 614976.

Submission:

Labcorp Genetics (formerly Invitae), Labcorp
Classification: Uncertain significance for MEGF8-related Carpenter syndrome. Last evaluated: 2025-07-08. Review status: criteria provided, single submitter. Criteria: Invitae Variant Classification Sherloc (09022015). Collection method: clinical testing. Allele origin: germline.
Comment: This sequence change falls in intron 10 of the MEGF8 gene. It does not directly change the encoded amino acid sequence of the MEGF8 protein. Information on the frequency of this variant in the gnomAD database is not available, as this variant may be reported differently in the database. This variant has not been reported in the literature in individuals affected with MEGF8-related conditions. Experimental studies and prediction algorithms are not available or were not evaluated, and the effect of this variant on mRNA splicing is currently unknown. In summary, the available evidence is currently insufficient to determine the role of this variant in disease. Therefore, it has been classified as a Variant of Uncertain Significance.

NM_001271938.2(MEGF8):c.1789-14_1789-13delinsAT

Gene: MEGF8 (multiple EGF like domains 8; plus strand). Cytogenetic location: 19q13.2.
Variant type: Indel.
Coding change: c.1789-14_1789-13delinsAT on transcript NM_001271938.2 (MANE Select); 14 bases into the intron before coding-DNA position 1789 through 13 bases into the intron before coding-DNA position 1789, TC replaced by AT.
Molecular consequence: intron variant.
Genome position (GRCh38, 1-based): chr19:42,344,427-42,344,428, TC replaced by AT. VCF-style: chr19-42344427-TC-AT. GRCh37 (hg19) VCF-style: chr19-42848579-TC-AT.
Other names: c.1789-14_1789-13delinsAT (NM_001410.3).
Identifiers: ClinVar variation 4750380 (VCV004750380.1).